The following is an entry in ClinVar:

NM_015386.3(COG4):c.485C>T (p.Thr162Ile)

Gene: COG4 (component of oligomeric golgi complex 4; minus strand). Cytogenetic location: 16q22.1.
Variant type: single nucleotide variant.
Coding change: c.485C>T on transcript NM_015386.3 (MANE Select); coding-DNA position 485, C replaced by T.
Protein change: p.Thr162Ile; replaces threonine 162 with isoleucine.
Molecular consequence: missense variant. On other transcripts: non-coding transcript variant (1).
Genome position (GRCh38, 1-based): chr16:70,514,394, G>A on the plus strand (C>T on the coding strand, the complement: COG4 is on the minus strand). VCF-style: chr16-70514394-G-A. GRCh37 (hg19) VCF-style: chr16-70548297-G-A.
Other names: c.473C>T, p.Thr158Ile (NM_001195139.2); c.59C>T, p.Thr20Ile (NM_001365426.1); short protein forms T162I, T158I, T20I.
Identifiers: ClinVar variation 95697 (VCV000095697.22), dbSNP rs3931036, ClinGen allele CA148766.
Genomic context (GRCh38, chr16:70,514,394, plus strand): 5'-CCCTCTTTGCCCTGTCGGCTGAGCTCAATGACCGACTTGTCCAGGCACAAGTAGCGATGA[G>A]TATGTGCTGCAGCCTGCTCATAATCTTCACTCCTCAAAGCAGTCTGAACTCCATCCATGC-3'
Protein context (NP_056201.2, residues 152-172): SEDYEQAAAH[Thr162Ile]HRYLCLDKSV

ClinVar aggregate classification (germline): Benign. Review status: criteria provided, multiple submitters, no conflicts (2 of 4 stars). 10 submissions from 9 submitters: Benign (9). 1 of the submissions does not count toward it. Last evaluated 2026-02-03.

Conditions:
Microcephalic osteodysplastic dysplasia, Saul-Wilson type. Also called: Saul-Wilson Syndrome; MICROCEPHALIC OSTEODYSPLASTIC DYSPLASIA. Identifiers: Orphanet 85172, MedGen C4509877, MONDO:0019407, OMIM 618150.
COG4-congenital disorder of glycosylation. Also called: COG4-CDG; CONGENITAL DISORDER OF GLYCOSYLATION, TYPE IIj; CDG IIj. Identifiers: Orphanet 263501, MedGen C4303552, MONDO:0013281, OMIM 613489.

Allele frequency attached by ClinVar (database versions not stated): gnomAD exomes 0.93911 and 0.94546; gnomAD 0.95397 and 0.95413; ExAC 0.94743; TOPMed 0.95398; ESP Exome Variant Server 0.95560; 1000 Genomes Project 0.95946; 1000 Genomes Project 30x 0.95878.
gnomAD v4.1: 1,518,581 of 1,613,988 alleles (94%); highest among the groups gnomAD compares: East Asian, 100%; 714,932 homozygotes.

Submissions (10):

Labcorp Genetics (formerly Invitae), Labcorp
Classification: Benign for COG4-congenital disorder of glycosylation. Last evaluated: 2026-02-03. Review status: criteria provided, single submitter. Criteria: Invitae Variant Classification Sherloc (09022015). Collection method: clinical testing. Allele origin: germline.

Genome-Nilou Lab
Classification: Benign for COG4-congenital disorder of glycosylation. Last evaluated: 2021-07-22. Review status: criteria provided, single submitter. Criteria: ACMG Guidelines, 2015. Collection method: clinical testing. Allele origin: germline. Affected: no.

Genome-Nilou Lab
Classification: Benign for Microcephalic osteodysplastic dysplasia, Saul-Wilson type. Last evaluated: 2021-07-22. Review status: criteria provided, single submitter. Criteria: ACMG Guidelines, 2015. Collection method: clinical testing. Allele origin: germline. Affected: no.

Mendelics
Classification: Benign for COG4-congenital disorder of glycosylation. Last evaluated: 2019-05-28. Review status: criteria provided, single submitter. Criteria: Mendelics Assertion Criteria 2017. Collection method: clinical testing. Allele origin: unknown.

Mayo Clinic Laboratories, Mayo Clinic
Classification: Benign. Last evaluated: 2017-11-20. Review status: criteria provided, single submitter. Criteria: ACMG Guidelines, 2015. Collection method: clinical testing. Allele origin: germline. Observed: 43 variant alleles.

GeneDx
Classification: Benign. Last evaluated: 2015-12-02. Review status: criteria provided, single submitter. Criteria: GeneDx Variant Classification (06012015). Collection method: clinical testing. Allele origin: germline. Affected: yes.
Comment: This variant is considered likely benign or benign based on one or more of the following criteria: it is a conservative change, it occurs at a poorly conserved position in the protein, it is predicted to be benign by multiple in silico algorithms, and/or has population frequency not consistent with disease.

Eurofins Ntd Llc (ga)
Classification: Benign. Last evaluated: 2013-05-28. Review status: criteria provided, single submitter. Criteria: EGL Classification Definitions 2015. Collection method: clinical testing. Allele origin: germline. Observed: 1 variant allele, 1 homozygote.

Breakthrough Genomics
Classification: Benign. Review status: criteria provided, single submitter. Criteria: ACMG Guidelines, 2015. Collection method: not provided. Allele origin: germline. Inheritance: Autosomal recessive inheritance. Affected: yes.

PreventionGenetics, part of Exact Sciences
Classification: Benign. Review status: criteria provided, single submitter. Criteria: ACMG Guidelines, 2015. Collection method: clinical testing. Allele origin: germline.

Genetic Services Laboratory, University of Chicago
Classification: Likely benign for AllHighlyPenetrant. Review status: no assertion criteria provided. Collection method: clinical testing. Allele origin: germline. Inheritance: Autosomal recessive inheritance. Not counted in ClinVar's aggregate classification.
Comment: Likely benign based on allele frequency in 1000 Genomes Project or ESP global frequency and its presence in a patient with a rare or unrelated disease phenotype. NOT Sanger confirmed.